The following is an entry in ClinVar:

ClinVar aggregate classification (germline): Uncertain significance (1 of 4 stars; one submission).

Submission:

GeneDx
Classification: Uncertain significance. Last evaluated: 2022-08-12. Review status: criteria provided, single submitter. Criteria: GeneDx Variant Classification Process June 2021. Collection method: clinical testing. Allele origin: germline. Affected: yes.
Comment: Not observed at significant frequency in large population cohorts (gnomAD); In silico analysis supports that this missense variant has a deleterious effect on protein structure/function; Has not been previously published as pathogenic or benign to our knowledge

NM_001367561.1(DOCK7):c.5684A>C (p.Asp1895Ala)

Gene: DOCK7 (dedicator of cytokinesis 7; minus strand). Cytogenetic location: 1p31.3.
Variant type: single nucleotide variant.
Coding change: c.5684A>C on transcript NM_001367561.1 (MANE Select); coding-DNA position 5684, A replaced by C.
Protein change: p.Asp1895Ala; replaces aspartic acid 1895 with alanine.
Molecular consequence: missense variant.
Genome position (GRCh38, 1-based): chr1:62,476,107, T>G on the plus strand (A>C on the coding strand, the complement: DOCK7 is on the minus strand). VCF-style: chr1-62476107-T-G. GRCh37 (hg19) VCF-style: chr1-62941778-T-G.
Other names: c.5651A>C, p.Asp1884Ala (NM_001271999.2); c.5564A>C, p.Asp1855Ala (NM_001272000.2); c.5558A>C, p.Asp1853Ala (NM_001272001.2); c.5657A>C, p.Asp1886Ala (NM_001330614.2); c.5591A>C, p.Asp1864Ala (NM_033407.4); short protein forms D1853A, D1855A, D1864A, D1884A, D1886A, D1895A.
Identifiers: ClinVar variation 2429623 (VCV002429623.1), dbSNP rs1474922484, ClinGen allele CA340604539.